The following is an entry in ClinVar:

NM_001385125.1(OPN1SW):c.836T>C (p.Leu279Ser)

Gene: OPN1SW (opsin 1, short wave sensitive; minus strand). Cytogenetic location: 7q32.1.
Variant type: single nucleotide variant.
Coding change: c.836T>C on transcript NM_001385125.1 (MANE Select); coding-DNA position 836, T replaced by C.
Protein change: p.Leu279Ser; replaces leucine 279 with serine.
Molecular consequence: missense variant.
Genome position (GRCh38, 1-based): chr7:128,773,731, A>G on the plus strand (T>C on the coding strand, the complement: OPN1SW is on the minus strand). VCF-style: chr7-128773731-A-G. GRCh37 (hg19) VCF-style: chr7-128413785-A-G.
Other names: short protein forms L279S.
Identifiers: ClinVar variation 2999784 (VCV002999784.3), dbSNP rs2536289497, ClinGen allele CA369217712.
Genomic context (GRCh38, chr7:128,773,731, plus strand): 5'-ATGATGGGATTGTAGATGCAAGCACTCTTGGAGAAGAATGAAGGAATGGTGACAAGCCGT[A>G]AGTCCAGCCCATGGTTACGGTTGTTGACCATGTACATGGCGAAGGCCGCGTAGGGCACGT-3'
Protein context (NP_001372054.1, residues 269-289): MVNNRNHGLD[Leu279Ser]RLVTIPSFFS

ClinVar aggregate classification (germline): Uncertain significance (1 of 4 stars; one submission).

gnomAD v4.1: 1 of 1,614,244 alleles (0.000062%); no homozygotes.

Submission:

Labcorp Genetics (formerly Invitae), Labcorp
Classification: Uncertain significance. Last evaluated: 2023-04-11. Review status: criteria provided, single submitter. Criteria: Invitae Variant Classification Sherloc (09022015). Collection method: clinical testing. Allele origin: germline.
Comment: An algorithm developed to predict the effect of missense changes on protein structure and function (PolyPhen-2) suggests that this variant is likely to be disruptive. In summary, the available evidence is currently insufficient to determine the role of this variant in disease. Therefore, it has been classified as a Variant of Uncertain Significance. This variant has not been reported in the literature in individuals affected with OPN1SW-related conditions. This variant is not present in population databases (gnomAD no frequency). This sequence change replaces leucine, which is neutral and non-polar, with serine, which is neutral and polar, at codon 282 of the OPN1SW protein (p.Leu282Ser).